The following is an entry in ClinVar:

NM_022370.4(ROBO3):c.284T>C (p.Ile95Thr)

Gene: ROBO3 (roundabout guidance receptor 3; plus strand). Cytogenetic location: 11q24.2.
Variant type: single nucleotide variant.
Coding change: c.284T>C on transcript NM_022370.4 (MANE Select); coding-DNA position 284, T replaced by C.
Protein change: p.Ile95Thr; replaces isoleucine 95 with threonine.
Molecular consequence: missense variant.
Genome position (GRCh38, 1-based): chr11:124,868,925, T>C. VCF-style: chr11-124868925-T-C. GRCh37 (hg19) VCF-style: chr11-124738821-T-C.
Other names: c.284T>C (NM_022370.3); short protein forms I95T.
Identifiers: ClinVar variation 996120 (VCV000996120.2), dbSNP rs1946240617, ClinGen allele CA383134188.
Genomic context (GRCh38, chr11:124,868,925, plus strand): 5'-TCTCCCGAGGCGAGCCCGCCACGTTGCCCTGCCGCGCTGAAGGCCGACCCCGACCCAACA[T>C]TGAGTGGTACAAGAACGGGGCGCGTGTGGCCACTGTGCGGGAGGATCCGCGTGCGCACCG-3'
Protein context (NP_071765.2, residues 85-105): CRAEGRPRPN[Ile95Thr]EWYKNGARVA

ClinVar aggregate classification (germline): Likely pathogenic. Review status: criteria provided, multiple submitters, no conflicts (2 of 4 stars). 2 submissions from 2 submitters: Likely pathogenic (2). Last evaluated 2023-12-08.

Conditions:
Gaze palsy, familial horizontal, with progressive scoliosis 1 (HGPPS1). Identifiers: Orphanet 2744, MedGen C4551964, MONDO:0020790, OMIM 607313.

gnomAD v4.1: 2 of 1,607,856 alleles (0.00012%); highest among the groups gnomAD compares: South Asian, 0.0011%; no homozygotes.

Submissions (2):

GeneDx
Classification: Likely pathogenic. Last evaluated: 2023-12-08. Review status: criteria provided, single submitter. Criteria: GeneDx Variant Classification Process June 2021. Collection method: clinical testing. Allele origin: germline. Affected: yes.
Comment: Not observed at significant frequency in large population cohorts (gnomAD); In silico analysis supports that this missense variant has a deleterious effect on protein structure/function; This variant is associated with the following publications: (PMID: 32580277, 32373565, Bakbak2012[casereport], 19633821)

Institute of Human Genetics, University of Leipzig Medical Center
Classification: Likely pathogenic for Gaze palsy, familial horizontal, with progressive scoliosis 1. Last evaluated: 2021-01-09. Review status: criteria provided, single submitter. Criteria: ACMG Guidelines, 2015. Collection method: curation. Allele origin: germline. Inheritance: Autosomal recessive inheritance. Affected: yes.
Comment: This ROBO3 variant was reported as Pathogenicâ€‹ in PMID: 19633821 with original nomenclature reported as c.283C>T, I95T. Variant was re-classified as Likely Pathogenic based on the criteria PM1_Moderate, PM2_Supporting, PM3_Moderate, PP3_Supporting, PP4_Supporting.

Literature cited by the submitters: PubMed 19633821 (cited by Institute of Human Genetics, University of Leipzig Medical Center).